The following is an entry in ClinVar:

NM_007294.4(BRCA1):c.5435C>G (p.Pro1812Arg)

Gene: BRCA1 (BRCA1 DNA repair associated; minus strand). Cytogenetic location: 17q21.31.
Variant type: single nucleotide variant.
Coding change: c.5435C>G on transcript NM_007294.4 (MANE Select); coding-DNA position 5435, C replaced by G.
Protein change: p.Pro1812Arg; replaces proline 1812 with arginine.
Molecular consequence: missense variant. On other transcripts: synonymous variant (17).
Genome position (GRCh38, 1-based): chr17:43,047,675, G>C on the plus strand (C>G on the coding strand, the complement: BRCA1 is on the minus strand). VCF-style: chr17-43047675-G-C. GRCh37 (hg19) VCF-style: chr17-41199692-G-C.
Other names: c.5498C>G, p.Pro1833Arg (NM_001407583.1, NM_001407585.1, NM_001407587.1 and 1 more transcripts); c.5495C>G, p.Pro1832Arg (NM_001407590.1, NM_001407591.1); c.5435C>G, p.Pro1812Arg (NM_001407593.1, NM_001407594.1, NM_001407596.1 and 5 more transcripts); c.5432C>G, p.Pro1811Arg (NM_001407610.1, NM_001407611.1, NM_001407612.1 and 14 more transcripts); c.5429C>G, p.Pro1810Arg (NM_001407627.1, NM_001407628.1, NM_001407629.1 and 13 more transcripts); c.5426C>G, p.Pro1809Arg (NM_001407644.1, NM_001407645.1); c.5423C>G, p.Pro1808Arg (NM_001407646.1); c.5420C>G, p.Pro1807Arg (NM_001407647.1); and 83 more; short protein forms P1765R, P1833R, P1812R, P708R, P1515R, P1516R, P1643R, P1701R.
Identifiers: ClinVar variation 865503 (VCV000865503.3), dbSNP rs2050986502, ClinGen allele CA10590558.

Conditions:
Breast-ovarian cancer, familial, susceptibility to, 1 (BROVCA1). Also called: BRCA1 Hereditary Breast and Ovarian Cancer; OVARIAN CANCER, SUSCEPTIBILITY TO. Identifiers: Orphanet 145, MedGen C2676676, MONDO:0011450, OMIM 604370. Disease mechanism: loss of function.

Allele frequency attached by ClinVar (database versions not stated): gnomAD exomes below 0.00001.
gnomAD v4.1: 1 of 1,614,160 alleles (0.000062%); highest among the groups gnomAD compares: Non-Finnish European, 0.000085%; no homozygotes.

Submission:

Brotman Baty Institute, University of Washington
No classification provided (evidence only). Condition: Breast-ovarian cancer, familial 1. Review status: no classification provided. Collection method: in vitro. Allele origin: not applicable. Functional consequence: functionally_normal.
ClinVar note: "not provided" was previously submitted as the classification for the variant. However, the classification appeared to be based only on an observation of functional data so it was converted to no classification on 2025-07-30.